The following is an entry in ClinVar:

NM_198506.5(LRIT3):c.209G>A (p.Arg70His)

Gene: LRIT3 (leucine rich repeat, Ig-like and transmembrane domains 3; plus strand). Cytogenetic location: 4q25.
Variant type: single nucleotide variant.
Coding change: c.209G>A on transcript NM_198506.5 (MANE Select); coding-DNA position 209, G replaced by A.
Protein change: p.Arg70His; replaces arginine 70 with histidine.
Molecular consequence: missense variant.
Genome position (GRCh38, 1-based): chr4:109,851,596, G>A. VCF-style: chr4-109851596-G-A. GRCh37 (hg19) VCF-style: chr4-110772752-G-A.
Other names: c.74G>A (NM_198506.2); short protein forms R70H.
Identifiers: ClinVar variation 1362046 (VCV001362046.9), dbSNP rs995974127, ClinGen allele CA103731840.

ClinVar aggregate classification (germline): Uncertain significance. Review status: criteria provided, multiple submitters, no conflicts (2 of 4 stars). 2 submissions from 2 submitters: Uncertain significance (2). Last evaluated 2022-06-03.

Conditions:
Inborn genetic diseases. Identifiers: MedGen C0950123, MeSH D030342.

Allele frequency attached by ClinVar (database versions not stated): gnomAD 0.00002; gnomAD exomes 0.00002 and 0.00003; TOPMed 0.00002.
gnomAD v4.1: 31 of 1,551,696 alleles (0.002%); highest among the groups gnomAD compares: Middle Eastern, 0.017%; no homozygotes.

Submissions (2):

Ambry Genetics
Classification: Uncertain significance for Inborn genetic diseases. Last evaluated: 2022-06-03. Review status: criteria provided, single submitter. Criteria: Ambry Variant Classification Scheme 2023. Collection method: clinical testing. Allele origin: germline.

Labcorp Genetics (formerly Invitae), Labcorp
Classification: Uncertain significance. Last evaluated: 2022-03-26. Review status: criteria provided, single submitter. Criteria: Invitae Variant Classification Sherloc (09022015). Collection method: clinical testing. Allele origin: germline.
Comment: This sequence change replaces arginine, which is basic and polar, with histidine, which is basic and polar, at codon 70 of the LRIT3 protein (p.Arg70His). In summary, the available evidence is currently insufficient to determine the role of this variant in disease. Therefore, it has been classified as a Variant of Uncertain Significance. Algorithms developed to predict the effect of missense changes on protein structure and function output the following: SIFT: "Deleterious"; PolyPhen-2: "Benign"; Align-GVGD: "Class C0". The histidine amino acid residue is found in multiple mammalian species, which suggests that this missense change does not adversely affect protein function. This variant has not been reported in the literature in individuals affected with LRIT3-related conditions. This variant is present in population databases (no rsID available, gnomAD 0.009%).